The following is an entry in ClinVar:

ClinVar aggregate classification (germline): Uncertain significance (1 of 4 stars; one submission).

Conditions:
Maturity-onset diabetes of the young (MODY). Also called: Maturity onset diabetes mellitus in young. Identifiers: Orphanet 552, MedGen C0342276, MONDO:0018911, HP:0004904.

Allele frequency attached by ClinVar (database versions not stated): gnomAD exomes below 0.00001; ExAC 0.00001; TOPMed 0.00001.
gnomAD v4.1: 1 of 1,614,146 alleles (0.000062%); highest among the groups gnomAD compares: Non-Finnish European, 0.000085%; no homozygotes.

Submission:

Clinical Genomics, Uppaluri K&H Personalized Medicine Clinic
Classification: Uncertain significance for Maturity-onset diabetes of the young. Review status: criteria provided, single submitter. Criteria: K & H Uppaluri Personalized Medicine Clinic Variant Classification & Assertion Criteria_Updated V.1. Collection method: research. Allele origin: unknown. Inheritance: Autosomal dominant inheritance.
Comment: HNF1B gene mutations are associated with early onset diabetes and pancreatic atrophy. It is also associated with multiple renal manifestations including renal cysts, Tubulointerstitial disease, glomerulocystic disease, renal hypoplasia, hypomagnesemia. However no sufficient evidence is found to ascertain the role of this particular variant rs775562256, yet.

Literature cited by the submitters: PubMed 24897035; PubMed 25536396; PubMed 27615128; PubMed 28215227; PubMed 33434175; PubMed 25741167; PubMed 26340261; PubMed 19639018.

NM_000458.4(HNF1B):c.738G>A (p.Leu246=)

Genes: HNF1B (HNF1 homeobox B; minus strand), LOC126862549 (BRD4-independent group 4 enhancer GRCh37_chr17:36093401-36094600; plus strand). Cytogenetic location: 17q12.
Variant type: single nucleotide variant.
Coding change: c.738G>A on transcript NM_000458.4 (MANE Select); coding-DNA position 738, G replaced by A.
Protein change: p.Leu246=; no amino-acid change (leucine 246 retained).
Molecular consequence: synonymous variant.
Genome position (GRCh38, 1-based): chr17:37,733,628, C>T on the plus strand (G>A on the coding strand, the complement: HNF1B is on the minus strand). VCF-style: chr17-37733628-C-T. GRCh37 (hg19) VCF-style: chr17-36093621-C-T.
Other names: c.660G>A, p.Leu220= (NM_001165923.4, NM_001304286.2); c.738G>A, p.Leu246= (NM_001411100.1).
Identifiers: ClinVar variation 1802533 (VCV001802533.1), dbSNP rs775562256, ClinGen allele CA8519019.